The following is an entry in ClinVar:

NM_000217.3(KCNA1):c.61G>A (p.Asp21Asn)

Gene: KCNA1 (potassium voltage-gated channel subfamily A member 1; plus strand). Cytogenetic location: 12p13.32.
Variant type: single nucleotide variant.
Coding change: c.61G>A on transcript NM_000217.3 (MANE Select); coding-DNA position 61, G replaced by A.
Protein change: p.Asp21Asn; replaces aspartic acid 21 with asparagine.
Molecular consequence: missense variant.
Genome position (GRCh38, 1-based): chr12:4,911,439, G>A. VCF-style: chr12-4911439-G-A. GRCh37 (hg19) VCF-style: chr12-5020605-G-A.
Other names: short protein forms D21N.
Identifiers: ClinVar variation 804963 (VCV000804963.9), dbSNP rs747465523, ClinGen allele CA6399337.
Genomic context (GRCh38, chr12:4,911,439, plus strand): 5'-ATGACGGTGATGTCTGGGGAGAACGTGGACGAGGCTTCGGCCGCCCCGGGCCACCCCCAG[G>A]ATGGCAGCTACCCCCGGCAGGCCGACCACGACGACCACGAGTGCTGCGAGCGCGTGGTGA-3'
Protein context (NP_000208.2, residues 11-31): EASAAPGHPQ[Asp21Asn]GSYPRQADHD

ClinVar aggregate classification (germline): Uncertain significance. Review status: criteria provided, multiple submitters, no conflicts (2 of 4 stars). 4 submissions from 4 submitters: Uncertain significance (4). Last evaluated 2024-10-28.

Conditions:
Episodic ataxia type 1 (EA1). Also called: MYOKYMIA WITH PERIODIC ATAXIA; Episodic ataxia/myokymia syndrome; PAROXYSMAL ATAXIA WITH NEUROMYOTONIA, HEREDITARY; ATAXIA, EPISODIC, WITH MYOKYMIA. Identifiers: Orphanet 37612, Orphanet 972, MedGen C1719788, MONDO:0008047, OMIM 160120.
Inborn genetic diseases. Identifiers: MedGen C0950123, MeSH D030342.

Allele frequency attached by ClinVar (database versions not stated): gnomAD 0.00002; TOPMed 0.00002; gnomAD exomes 0.00003 and 0.00004; ExAC 0.00007.
gnomAD v4.1: 40 of 1,613,642 alleles (0.0025%); highest among the groups gnomAD compares: Non-Finnish European, 0.0031%; no homozygotes.

Submissions (4):

Ambry Genetics
Classification: Uncertain significance for Inborn genetic diseases. Last evaluated: 2024-10-28. Review status: criteria provided, single submitter. Criteria: Ambry Variant Classification Scheme 2023. Collection method: clinical testing. Allele origin: germline.

Labcorp Genetics (formerly Invitae), Labcorp
Classification: Uncertain significance for Episodic ataxia type 1. Last evaluated: 2022-12-13. Review status: criteria provided, single submitter. Criteria: Invitae Variant Classification Sherloc (09022015). Collection method: clinical testing. Allele origin: germline.
Comment: This variant has not been reported in the literature in individuals affected with KCNA1-related conditions. This variant is present in population databases (rs747465523, gnomAD 0.007%). This sequence change replaces aspartic acid, which is acidic and polar, with asparagine, which is neutral and polar, at codon 21 of the KCNA1 protein (p.Asp21Asn). ClinVar contains an entry for this variant (Variation ID: 804963). In summary, the available evidence is currently insufficient to determine the role of this variant in disease. Therefore, it has been classified as a Variant of Uncertain Significance. Advanced modeling of protein sequence and biophysical properties (such as structural, functional, and spatial information, amino acid conservation, physicochemical variation, residue mobility, and thermodynamic stability) performed at Invitae indicates that this missense variant is not expected to disrupt KCNA1 protein function.

Revvity Omics, Revvity
Classification: Uncertain significance for Episodic ataxia type 1. Last evaluated: 2020-12-23. Review status: criteria provided, single submitter. Criteria: ACMG Guidelines, 2015. Collection method: clinical testing. Allele origin: germline.

Athena Diagnostics
Classification: Uncertain significance. Last evaluated: 2019-06-05. Review status: criteria provided, single submitter. Criteria: Athena Diagnostics Criteria. Collection method: clinical testing. Allele origin: germline.